The following is an entry in ClinVar:

ClinVar aggregate classification (germline): Likely pathogenic. Review status: criteria provided, multiple submitters, no conflicts (2 of 4 stars). 3 submissions from 3 submitters: Likely pathogenic (3). Last evaluated 2024-10-09.

Conditions:
Zellweger spectrum disorders (ZS). Also called: Zellweger syndrome; Zellweger Spectrum Disorder (ZSD); Zellweger Spectrum Disorder; Zellweger Spectrum. Identifiers: Orphanet 912, MedGen C0043459, MONDO:0019609.
Peroxisome biogenesis disorder 5B (PBD5B). Identifiers: Orphanet 44, MedGen C3542026, MONDO:0013933, OMIM 614867.
Peroxisome biogenesis disorder 5A (Zellweger) (PBD5A). Identifiers: Orphanet 912, MedGen C3553940, MONDO:0013932, OMIM 614866.

Submissions (3):

Natera, Inc.
Classification: Likely pathogenic for Zellweger syndrome. Last evaluated: 2024-10-09. Review status: criteria provided, single submitter. Criteria: Natera Variant Classification Schema (03/2026). Collection method: clinical testing. Allele origin: germline.
Comment: The c.521_524del variant in PEX2 is a frameshift variant predicted to shift the reading frame beginning at codon 174 and leads to a stop codon 17 codons downstream. This variant is expected to result in nonsense mediated decay, truncation, or a dysfunctional protein product. This variant is rare in the general population with a frequency below the threshold expected for the associated phenotype(s). Given the available evidence, this variant is classified as Likely Pathogenic.

Fulgent Genetics
Classification: Likely pathogenic for Peroxisome biogenesis disorder 5A (Zellweger); Peroxisome biogenesis disorder 5B. Last evaluated: 2024-02-21. Review status: criteria provided, single submitter. Criteria: ACMG Guidelines, 2015. Collection method: clinical testing. Allele origin: germline.

Baylor Genetics
Classification: Likely pathogenic for Peroxisome biogenesis disorder 5A (Zellweger). Last evaluated: 2023-03-01. Review status: criteria provided, single submitter. Criteria: ACMG Guidelines, 2015. Collection method: clinical testing. Allele origin: unknown.

NM_000318.3(PEX2):c.521_524del (p.His174fs)

Gene: PEX2 (peroxisomal biogenesis factor 2; minus strand). Cytogenetic location: 8q21.13.
Variant type: Microsatellite.
Coding change: c.521_524del on transcript NM_000318.3 (MANE Select); coding-DNA positions 521 to 524, 4 bases deleted (ATTC; older notation c.521_524delATTC).
Protein change: p.His174fs; shifts the reading frame from histidine 174.
Molecular consequence: frameshift variant.
Genome position (GRCh38, 1-based): chr8:76,983,655-76,983,658, GAAT deleted on the plus strand (ATTC on the coding strand, the reverse complement: PEX2 is on the minus strand); deleting any 4 consecutive bases within chr8:76,983,655-76,983,662 gives the same sequence; the c. name uses the placement nearest the transcript's 3' end. VCF-style (leftmost placement, unchanged base first): chr8-76983654-AGAAT-A. GRCh37 (hg19) VCF-style: chr8-77895890-AGAAT-A.
Other names: c.521_524del, p.His174fs (NM_001079867.2, NM_001172086.2, NM_001172087.2); c.521_524del (NM_000318.2); short protein forms H174fs.
Identifiers: ClinVar variation 2677676 (VCV002677676.3), dbSNP rs2487451611, ClinGen allele CA2695201485.